The following is an entry in ClinVar:

NM_000038.6(APC):c.423-3029T>C

Gene: APC (APC regulator of WNT signaling pathway; plus strand). Cytogenetic location: 5q22.2.
Variant type: single nucleotide variant.
Coding change: c.423-3029T>C on transcript NM_000038.6 (MANE Select); 3029 bases into the intron before coding-DNA position 423, T replaced by C.
Molecular consequence: intron variant.
Genome position (GRCh38, 1-based): chr5:112,772,600, T>C. VCF-style: chr5-112772600-T-C. GRCh37 (hg19) VCF-style: chr5-112108297-T-C.
Other names: c.423-3029T>C (NM_001354895.2, NM_001127510.3, NM_001354896.2 and 2 more transcripts); c.453-3029T>C (NM_001354897.2, NM_001354902.2, NM_001127511.3); c.348-3029T>C (NM_001354898.2, NM_001354904.2); c.-613-3029T>C (NM_001354906.2); c.246-3029T>C (NM_001354900.2, NM_001354901.2, NM_001354905.2).
Identifiers: ClinVar variation 82894 (VCV000082894.2), dbSNP rs75558943, ClinGen allele CA009254.

ClinVar aggregate classification (germline): other (0 of 4 stars; one submission).

Conditions:
Familial colorectal cancer. Identifiers: MedGen CN280943, MONDO:0023113. Disease mechanism: loss of function.

Submission:

Systems Biology Platform Zhejiang California International NanoSystems Institute
Classification: other for Familial colorectal cancer. Review status: no assertion criteria provided. Collection method: not provided. Allele origin: unknown.
ClinVar note: Converted during submission from cancer to other.